The following is an entry in ClinVar:

NM_003872.3(NRP2):c.2564A>T (p.Tyr855Phe)

Gene: NRP2 (neuropilin 2; plus strand). Cytogenetic location: 2q33.3.
Variant type: single nucleotide variant.
Coding change: c.2564A>T on transcript NM_003872.3 (MANE Select); coding-DNA position 2564, A replaced by T.
Protein change: p.Tyr855Phe; replaces tyrosine 855 with phenylalanine.
Molecular consequence: missense variant.
Genome position (GRCh38, 1-based): chr2:205,794,841, A>T. VCF-style: chr2-205794841-A-T. GRCh37 (hg19) VCF-style: chr2-206659565-A-T.
Other names: c.2579A>T, p.Tyr860Phe (NM_201266.2); c.2513A>T, p.Tyr838Phe (NM_201279.2); short protein forms Y838F, Y855F, Y860F.
Identifiers: ClinVar variation 3054106 (VCV003054106.2), dbSNP rs141692435, ClinGen allele CA2069613.

ClinVar aggregate classification (germline): Likely benign (0 of 4 stars; one submission).

Conditions:
NRP2-related disorder. Also called: NRP2-related condition.

Allele frequency attached by ClinVar (database versions not stated): gnomAD 0.00005; gnomAD exomes 0.00005; ExAC 0.00010; ESP Exome Variant Server 0.00015.
gnomAD v4.1: 78 of 1,614,052 alleles (0.0048%); highest among the groups gnomAD compares: Middle Eastern, 0.049%; no homozygotes.

Submission:

PreventionGenetics, part of Exact Sciences
Classification: Likely benign for NRP2-related condition. Last evaluated: 2023-07-21. Review status: no assertion criteria provided. Collection method: clinical testing. Allele origin: germline.
Comment: This variant is classified as likely benign based on ACMG/AMP sequence variant interpretation guidelines (Richards et al. 2015 PMID: 25741868, with internal and published modifications).